The following is an entry in ClinVar:

NM_201384.3(PLEC):c.13622G>C (p.Gly4541Ala)

Gene: PLEC (plectin; minus strand). Cytogenetic location: 8q24.3.
Variant type: single nucleotide variant.
Coding change: c.13622G>C on transcript NM_201384.3 (MANE Select); coding-DNA position 13622, G replaced by C.
Protein change: p.Gly4541Ala; replaces glycine 4541 with alanine.
Molecular consequence: missense variant.
Genome position (GRCh38, 1-based): chr8:143,916,199, C>G on the plus strand (G>C on the coding strand, the complement: PLEC is on the minus strand). VCF-style: chr8-143916199-C-G. GRCh37 (hg19) VCF-style: chr8-144990367-C-G.
Other names: c.13703G>C, p.Gly4568Ala (NM_000445.5); c.10322G>C, p.Gly3441Ala (NM_001410941.1); c.13580G>C, p.Gly4527Ala (NM_201378.4); c.13556G>C, p.Gly4519Ala (NM_201379.3); c.14033G>C, p.Gly4678Ala (NM_201380.4); c.13526G>C, p.Gly4509Ala (NM_201381.3); c.13622G>C, p.Gly4541Ala (NM_201382.4); c.13634G>C, p.Gly4545Ala (NM_201383.3); short protein forms G4527A, G4568A, G4678A, G3441A, G4509A, G4541A, G4545A, G4519A.
Identifiers: ClinVar variation 2182713 (VCV002182713.4), dbSNP rs1554668205, ClinGen allele CA372473301.

ClinVar aggregate classification (germline): Uncertain significance (1 of 4 stars; one submission).

Conditions:
Epidermolysis bullosa simplex 5B, with muscular dystrophy (EBS5B). Also called: EPIDERMOLYSIS BULLOSA SIMPLEX AND LIMB-GIRDLE MUSCULAR DYSTROPHY; Epidermolysis bullosa simplex with muscular dystrophy. Identifiers: Orphanet 257, MedGen C2931072, MONDO:0009181, OMIM 226670.
Autosomal recessive limb-girdle muscular dystrophy type 2Q (LGMDR17). Also called: MUSCULAR DYSTROPHY, LIMB-GIRDLE, AUTOSOMAL RECESSIVE 17. Identifiers: Orphanet 254361, MedGen C3150989, MONDO:0013390, OMIM 613723.
Epidermolysis bullosa simplex, Ogna type (EBS5A). Also called: Pidermolysis bullosa simplex 5A, Ogna type; EPIDERMOLYSIS BULLOSA SIMPLEX 5A, OGNA TYPE. Identifiers: Orphanet 79401, MedGen C0432317, MONDO:0007555, OMIM 131950.
Epidermolysis bullosa simplex 5C, with pyloric atresia (EBS5C). Also called: PLEC-Related Epidermolysis Bullosa with Pyloric Atresia; Epidermolysis bullosa simplex with pyloric atresia; PLEC1-Related Epidermolysis Bullosa with Pyloric Atresia. Identifiers: Orphanet 158684, MedGen C2677349, MONDO:0012807, OMIM 612138.
Epidermolysis bullosa simplex with nail dystrophy (EBS5D). Identifiers: MedGen C4225309, MONDO:0014661, OMIM 616487.

gnomAD v4.1: 4 of 1,542,048 alleles (0.00026%); highest among the groups gnomAD compares: Admixed American, 0.0059%; no homozygotes.

Submission:

Labcorp Genetics (formerly Invitae), Labcorp
Classification: Uncertain significance for Autosomal recessive limb-girdle muscular dystrophy type 2Q; Epidermolysis bullosa simplex, Ogna type; Epidermolysis bullosa simplex with nail dystrophy; Epidermolysis bullosa simplex 5C, with pyloric atresia; Epidermolysis bullosa simplex 5B, with muscular dystrophy. Last evaluated: 2024-11-17. Review status: criteria provided, single submitter. Criteria: Invitae Variant Classification Sherloc (09022015). Collection method: clinical testing. Allele origin: germline.
Comment: This sequence change replaces glycine, which is neutral and non-polar, with alanine, which is neutral and non-polar, at codon 4568 of the PLEC protein (p.Gly4568Ala). This variant is present in population databases (no rsID available, gnomAD 0.008%). This variant has not been reported in the literature in individuals affected with PLEC-related conditions. ClinVar contains an entry for this variant (Variation ID: 2182713). Experimental studies and prediction algorithms are not available or were not evaluated, and the functional significance of this variant is currently unknown. In summary, the available evidence is currently insufficient to determine the role of this variant in disease. Therefore, it has been classified as a Variant of Uncertain Significance.